The following is an entry in ClinVar:

NM_000733.4(CD3E):c.202G>A (p.Gly68Ser)

Gene: CD3E (CD3 epsilon subunit of T-cell receptor complex; plus strand). Cytogenetic location: 11q23.3.
Variant type: single nucleotide variant.
Coding change: c.202G>A on transcript NM_000733.4 (MANE Select); coding-DNA position 202, G replaced by A.
Protein change: p.Gly68Ser; replaces glycine 68 with serine.
Molecular consequence: missense variant.
Genome position (GRCh38, 1-based): chr11:118,312,716, G>A. VCF-style: chr11-118312716-G-A. GRCh37 (hg19) VCF-style: chr11-118183431-G-A.
Other names: short protein forms G68S.
Identifiers: ClinVar variation 838943 (VCV000838943.7), dbSNP rs200087808, ClinGen allele CA6301640.

ClinVar aggregate classification (germline): Uncertain significance. Review status: criteria provided, multiple submitters, no conflicts (2 of 4 stars). 3 submissions from 3 submitters: Uncertain significance (3). Last evaluated 2022-10-05.

Conditions:
Immunodeficiency 18 (IMD18). Also called: CD3-EPSILON DEFICIENCY; CD3epsilon deficiency. Identifiers: MedGen C3810127, MONDO:0014278, OMIM 615615.
Inborn genetic diseases. Identifiers: MedGen C0950123, MeSH D030342.

Allele frequency attached by ClinVar (database versions not stated): gnomAD exomes 0.00010; 1000 Genomes Project 0.00020; ExAC 0.00006; TOPMed 0.00011; gnomAD 0.00012; 1000 Genomes Project 30x 0.00016.
gnomAD v4.1: 115 of 1,614,072 alleles (0.0071%); highest among the groups gnomAD compares: Middle Eastern, 0.066%; no homozygotes.

Submissions (3):

Labcorp Genetics (formerly Invitae), Labcorp
Classification: Uncertain significance for Immunodeficiency 18. Last evaluated: 2022-10-05. Review status: criteria provided, single submitter. Criteria: Invitae Variant Classification Sherloc (09022015). Collection method: clinical testing. Allele origin: germline.
Comment: This sequence change replaces glycine, which is neutral and non-polar, with serine, which is neutral and polar, at codon 68 of the CD3E protein (p.Gly68Ser). This variant is present in population databases (rs200087808, gnomAD 0.04%). This variant has not been reported in the literature in individuals affected with CD3E-related conditions. ClinVar contains an entry for this variant (Variation ID: 838943). Algorithms developed to predict the effect of missense changes on protein structure and function output the following: SIFT: "Tolerated"; PolyPhen-2: "Benign"; Align-GVGD: "Class C0". The serine amino acid residue is found in multiple mammalian species, which suggests that this missense change does not adversely affect protein function. In summary, the available evidence is currently insufficient to determine the role of this variant in disease. Therefore, it has been classified as a Variant of Uncertain Significance.

Ambry Genetics
Classification: Uncertain significance for Inborn genetic diseases. Last evaluated: 2021-07-13. Review status: criteria provided, single submitter. Criteria: Ambry Variant Classification Scheme 2023. Collection method: clinical testing. Allele origin: germline.

Breakthrough Genomics
Classification: Uncertain significance. Review status: criteria provided, single submitter. Criteria: ACMG Guidelines, 2015. Collection method: not provided. Allele origin: germline. Inheritance: Autosomal recessive inheritance. Affected: yes.